The following is an entry in ClinVar:

NM_000340.2(SLC2A2):c.*920A>C

Gene: SLC2A2 (solute carrier family 2 member 2; minus strand). Cytogenetic location: 3q26.2.
Variant type: single nucleotide variant.
Coding change: c.*920A>C on transcript NM_000340.2 (MANE Select); 920 bases downstream of the stop codon, A replaced by C.
Molecular consequence: 3 prime UTR variant.
Genome position (GRCh38, 1-based): chr3:170,996,983, T>G on the plus strand (A>C on the coding strand, the complement: SLC2A2 is on the minus strand). VCF-style: chr3-170996983-T-G. GRCh37 (hg19) VCF-style: chr3-170714772-T-G.
Other names: c.*920A>C (NM_001278658.2, NM_001278659.2).
Identifiers: ClinVar variation 903622 (VCV000903622.4), dbSNP rs56204521, ClinGen allele CA87703984.

ClinVar aggregate classification (germline): Benign (1 of 4 stars; one submission).

Conditions:
Fanconi-Bickel syndrome (FBS). Also called: Glycogen storage disease due to GLUT2 deficiency; FANCONI SYNDROME WITH INTESTINAL MALABSORPTION AND GALACTOSE INTOLERANCE; HEPATIC GLYCOGENOSIS WITH AMINO ACIDURIA AND GLUCOSURIA; HEPATIC GLYCOGENOSIS WITH FANCONI NEPHROPATHY; HEPATORENAL GLYCOGENOSIS WITH RENAL FANCONI SYNDROME; PSEUDO-PHLORIZIN DIABETES. Identifiers: Orphanet 2088, MedGen C3495427, MONDO:0009216, OMIM 227810.

Allele frequency attached by ClinVar (database versions not stated): 1000 Genomes Project 0.00599; 1000 Genomes Project 30x 0.00609; gnomAD exomes 0.01001; gnomAD 0.01024 and 0.01056; TOPMed 0.01212.
gnomAD v4.1: 2,316 of 226,586 alleles (1%); highest among the groups gnomAD compares: Admixed American, 2%; 18 homozygotes.

Submission:

Illumina Laboratory Services, Illumina
Classification: Benign for Fanconi-Bickel syndrome. Last evaluated: 2018-01-13. Review status: criteria provided, single submitter. Criteria: ICSL Variant Classification Criteria 13 December 2019. Collection method: clinical testing. Allele origin: germline.
Comment: This variant was observed in the ICSL laboratory as part of a predisposition screen in an ostensibly healthy population. It had not been previously curated by ICSL or reported in the Human Gene Mutation Database (HGMD: prior to June 1st, 2018), and was therefore a candidate for classification through an automated scoring system. Utilizing variant allele frequency, disease prevalence and penetrance estimates, and inheritance mode, an automated score was calculated to assess if this variant is too frequent to cause the disease. Based on the score and internal cut-off values, a variant classified as benign is not then subjected to further curation. The score for this variant resulted in a classification of benign for this disease.